The following is an entry in ClinVar:

Conditions:
Breast-ovarian cancer, familial, susceptibility to, 1 (BROVCA1). Also called: BRCA1 Hereditary Breast and Ovarian Cancer; OVARIAN CANCER, SUSCEPTIBILITY TO. Identifiers: Orphanet 145, MedGen C2676676, MONDO:0011450, OMIM 604370. Disease mechanism: loss of function.

Submission:

Brotman Baty Institute, University of Washington
No classification provided (evidence only). Condition: Breast-ovarian cancer, familial 1. Review status: no classification provided. Collection method: in vitro. Allele origin: not applicable. Functional consequence: functionally_abnormal.
ClinVar note: "not provided" was previously submitted as the classification for the variant. However, the classification appeared to be based only on an observation of functional data so it was converted to no classification on 2025-07-30.

NM_007294.4(BRCA1):c.5078C>A (p.Ala1693Asp)

Gene: BRCA1 (BRCA1 DNA repair associated; minus strand). Cytogenetic location: 17q21.31.
Variant type: single nucleotide variant.
Coding change: c.5078C>A on transcript NM_007294.4 (MANE Select); coding-DNA position 5078, C replaced by A.
Protein change: p.Ala1693Asp; replaces alanine 1693 with aspartic acid.
Molecular consequence: missense variant. On other transcripts: non-coding transcript variant (1).
Genome position (GRCh38, 1-based): chr17:43,063,948, G>T on the plus strand (C>A on the coding strand, the complement: BRCA1 is on the minus strand). VCF-style: chr17-43063948-G-T. GRCh37 (hg19) VCF-style: chr17-41215965-G-T.
Other names: c.4865C>A, p.Ala1622Asp (NM_001407902.1, NM_001407904.1, NM_001407906.1 and 12 more transcripts); c.4814C>A, p.Ala1605Asp (NM_001407925.1, NM_001407926.1, NM_001407920.1 and 4 more transcripts); c.4811C>A, p.Ala1604Asp (NM_001407927.1, NM_001407928.1, NM_001407929.1 and 4 more transcripts); c.4934C>A, p.Ala1645Asp (NM_001407944.1, NM_001407945.1, NM_001407732.1 and 21 more transcripts); c.4745C>A, p.Ala1582Asp (NM_001407946.1, NM_001407947.1, NM_001407948.1 and 1 more transcripts); c.4742C>A, p.Ala1581Asp (NM_001407950.1, NM_001407951.1, NM_001407952.1 and 3 more transcripts); c.4616C>A, p.Ala1539Asp (NM_001407964.1); c.4571C>A, p.Ala1524Asp (NM_001407965.1); and 71 more; short protein forms A1693D, A1714D, A589D, A1646D, A1396D, A1564D, A1624D, A1644D.
Identifiers: ClinVar variation 864930 (VCV000864930.3), dbSNP rs1567769586, ClinGen allele CA10591367.